The following is an entry in ClinVar:

ClinVar aggregate classification (germline): Uncertain significance (1 of 4 stars; one submission).

Conditions:
Cardiovascular phenotype. Identifiers: MedGen CN230736.

Submission:

Ambry Genetics
Classification: Uncertain significance for Cardiovascular phenotype. Last evaluated: 2024-03-11. Review status: criteria provided, single submitter. Criteria: Ambry Variant Classification Scheme 2023. Collection method: clinical testing. Allele origin: germline.
Comment: The p.Y60N variant (also known as c.178T>A), located in coding exon 1 of the TNXB gene, results from a T to A substitution at nucleotide position 178. The tyrosine at codon 60 is replaced by asparagine, an amino acid with dissimilar properties. This amino acid position is conserved. In addition, the in silico prediction for this alteration is inconclusive. Based on the available evidence, the clinical significance of this alteration remains unclear.

NM_001365276.2(TNXB):c.178T>A (p.Tyr60Asn)

Gene: TNXB (tenascin XB; minus strand). Cytogenetic location: 6p21.33.
Variant type: single nucleotide variant.
Coding change: c.178T>A on transcript NM_001365276.2 (MANE Select); coding-DNA position 178, T replaced by A.
Protein change: p.Tyr60Asn; replaces tyrosine 60 with asparagine.
Molecular consequence: missense variant.
Genome position (GRCh38, 1-based): chr6:32,098,021, A>T on the plus strand (T>A on the coding strand, the complement: TNXB is on the minus strand). VCF-style: chr6-32098021-A-T. GRCh37 (hg19) VCF-style: chr6-32065798-A-T.
Other names: c.178T>A, p.Tyr60Asn (NM_001428335.1, NM_019105.8); short protein forms Y60N.
Identifiers: ClinVar variation 3227244 (VCV003227244.1), dbSNP rs2483772459, ClinGen allele CA363492702.